The following is an entry in ClinVar:

NM_005157.6(ABL1):c.350C>T (p.Thr117Met)

Gene: ABL1 (ABL proto-oncogene 1, non-receptor tyrosine kinase; plus strand). Cytogenetic location: 9q34.12.
Variant type: single nucleotide variant.
Coding change: c.350C>T on transcript NM_005157.6 (MANE Select); coding-DNA position 350, C replaced by T.
Protein change: p.Thr117Met; replaces threonine 117 with methionine.
Molecular consequence: missense variant.
Genome position (GRCh38, 1-based): chr9:130,854,897, C>T. VCF-style: chr9-130854897-C-T. GRCh37 (hg19) VCF-style: chr9-133730284-C-T.
Other names: c.407C>T, p.Thr136Met (NM_007313.3); short protein forms T117M, T136M.
Identifiers: ClinVar variation 929418 (VCV000929418.13), dbSNP rs1830948350, ClinGen allele CA375258052.
Genomic context (GRCh38, chr9:130,854,897, plus strand): 5'-GGGAATGGTGTGAAGCCCAAACCAAAAATGGCCAAGGCTGGGTCCCAAGCAACTACATCA[C>T]GCCAGTCAACAGTCTGGAGAAACACTCCTGGTACCATGGGCCTGTGTCCCGCAATGCCGC-3'
Protein context (NP_005148.2, residues 107-127): GQGWVPSNYI[Thr117Met]PVNSLEKHSW

ClinVar aggregate classification (germline): Conflicting classifications of pathogenicity. Review status: criteria provided, conflicting classifications (1 of 4 stars). 5 submissions from 5 submitters: Pathogenic (3); Uncertain significance (1). 1 of the submissions does not count toward it. Last evaluated 2023-06-28.

Conditions:
ABL1-related disorder. Also called: ABL1-related condition.
Congenital heart defects and skeletal malformations syndrome. Identifiers: Orphanet 643503, MedGen C4539857, MONDO:0060532, OMIM 617602.

Submissions (5):

GeneDx
Classification: Pathogenic. Last evaluated: 2023-06-28. Review status: criteria provided, single submitter. Criteria: GeneDx Variant Classification Process June 2021. Collection method: clinical testing. Allele origin: germline.
Comment: Published functional studies demonstrate that this variant leads to a gain of function with increased kinase activity (PMID: 32643838); Not observed at significant frequency in large population cohorts (gnomAD); In silico analysis supports that this missense variant has a deleterious effect on protein structure/function; This variant is associated with the following publications: (PMID: 35982160, 28867142, 35982159, 28714951, 28191890, 25363768, 31785789, 35599849, 32643838)

Labcorp Genetics (formerly Invitae), Labcorp
Classification: Uncertain significance. Last evaluated: 2023-02-14. Review status: criteria provided, single submitter. Criteria: Invitae Variant Classification Sherloc (09022015). Collection method: clinical testing. Allele origin: germline.
Comment: Advanced modeling of protein sequence and biophysical properties (such as structural, functional, and spatial information, amino acid conservation, physicochemical variation, residue mobility, and thermodynamic stability) has been performed at Invitae for this missense variant, however the output from this modeling did not meet the statistical confidence thresholds required to predict the impact of this variant on ABL1 protein function. In summary, the available evidence is currently insufficient to determine the role of this variant in disease. Therefore, it has been classified as a Variant of Uncertain Significance. ClinVar contains an entry for this variant (Variation ID: 929418). This sequence change replaces threonine, which is neutral and polar, with methionine, which is neutral and non-polar, at codon 136 of the ABL1 protein (p.Thr136Met). This variant is not present in population databases (gnomAD no frequency). This missense change has been observed in individual(s) with ABL1-related conditions (PMID: 32643838).

Blueprint Genetics
Classification: Pathogenic for ABL1-related disorders. Last evaluated: 2022-05-24. Review status: criteria provided, single submitter. Criteria: ACMG Guidelines, 2015. Collection method: clinical testing. Allele origin: germline. Affected: yes. Observed: 1 variant allele.

AiLife Diagnostics
Classification: Pathogenic for Congenital heart defects and skeletal malformations syndrome. Last evaluated: 2020-05-20. Review status: criteria provided, single submitter. Criteria: ACMG Guidelines, 2015. Collection method: research. Allele origin: germline. Inheritance: Autosomal dominant inheritance. Affected: yes. Observed: 1 heterozygote.

OMIM
Classification: Pathogenic for CONGENITAL HEART DEFECTS AND SKELETAL MALFORMATIONS SYNDROME. Last evaluated: 2021-11-11. Review status: no assertion criteria provided. Collection method: literature only. Allele origin: germline. Not counted in ClinVar's aggregate classification.

Literature cited by the submitters: PubMed 32643838 (cited by Labcorp Genetics (formerly Invitae), Labcorp and OMIM).